The following is an entry in ClinVar:

ClinVar aggregate classification (germline): Uncertain significance. Review status: criteria provided, multiple submitters, no conflicts (2 of 4 stars). 3 submissions from 3 submitters: Uncertain significance (3). Last evaluated 2024-04-04.

Conditions:
Inborn genetic diseases. Identifiers: MedGen C0950123, MeSH D030342.
Immunodeficiency 95 (IMD95). Identifiers: MedGen C5676929, MONDO:0030692, OMIM 619773.
Singleton-Merten syndrome 1 (SGMRT1). Also called: Widened medullary cavities of bone, aortic calcification, abnormal dentition, and muscular weakness; Syndrome of widened medullary cavities of the metacarpals and phalanges, aortic calcification and abnormal dentition. Identifiers: Orphanet 85191, MedGen C4225427, MONDO:0024535, OMIM 182250.
Aicardi-Goutieres syndrome 7 (AGS7). Identifiers: Orphanet 51, MedGen C3888244, MONDO:0014367, OMIM 615846.

Allele frequency attached by ClinVar (database versions not stated): gnomAD exomes 0.00002.
gnomAD v4.1: 23 of 1,613,916 alleles (0.0014%); highest among the groups gnomAD compares: Non-Finnish European, 0.0019%; no homozygotes.

Submissions (3):

Ambry Genetics
Classification: Uncertain significance for Inborn genetic diseases. Last evaluated: 2024-04-04. Review status: criteria provided, single submitter. Criteria: Ambry Variant Classification Scheme 2023. Collection method: clinical testing. Allele origin: germline.

Fulgent Genetics
Classification: Uncertain significance for Singleton-Merten syndrome 1; Aicardi-Goutieres syndrome 7; Immunodeficiency 95. Last evaluated: 2021-12-07. Review status: criteria provided, single submitter. Criteria: ACMG Guidelines, 2015. Collection method: clinical testing. Allele origin: unknown.

Labcorp Genetics (formerly Invitae), Labcorp
Classification: Uncertain significance for Aicardi-Goutieres syndrome 7; Singleton-Merten syndrome 1. Last evaluated: 2020-06-29. Review status: criteria provided, single submitter. Criteria: Invitae Variant Classification Sherloc (09022015). Collection method: clinical testing. Allele origin: germline.
Comment: This sequence change replaces serine with proline at codon 244 of the IFIH1 protein (p.Ser244Pro). The serine residue is weakly conserved and there is a moderate physicochemical difference between serine and proline. This variant is present in population databases (rs753380568, ExAC 0.002%). This variant has not been reported in the literature in individuals with IFIH1-related conditions. Algorithms developed to predict the effect of missense changes on protein structure and function (SIFT, PolyPhen-2, Align-GVGD) all suggest that this variant is likely to be tolerated, but these predictions have not been confirmed by published functional studies and their clinical significance is uncertain. In summary, the available evidence is currently insufficient to determine the role of this variant in disease. Therefore, it has been classified as a Variant of Uncertain Significance.

NM_022168.4(IFIH1):c.730T>C (p.Ser244Pro)

Gene: IFIH1 (interferon induced with helicase C domain 1; minus strand). Cytogenetic location: 2q24.2.
Variant type: single nucleotide variant.
Coding change: c.730T>C on transcript NM_022168.4 (MANE Select); coding-DNA position 730, T replaced by C.
Protein change: p.Ser244Pro; replaces serine 244 with proline.
Molecular consequence: missense variant.
Genome position (GRCh38, 1-based): chr2:162,306,748, A>G on the plus strand (T>C on the coding strand, the complement: IFIH1 is on the minus strand). VCF-style: chr2-162306748-A-G. GRCh37 (hg19) VCF-style: chr2-163163258-A-G.
Other names: c.730T>C (NM_022168.2); short protein forms S244P.
Identifiers: ClinVar variation 1000906 (VCV001000906.13), dbSNP rs753380568, ClinGen allele CA1934732.